The following is an entry in ClinVar:

ClinVar aggregate classification (germline): Benign (1 of 4 stars; one submission).

Conditions:
Lynch syndrome 5 (LYNCH5). Also called: Colorectal cancer, hereditary nonpolyposis, type 5; Hereditary non-polyposis colorectal cancer, type 5. Identifiers: Orphanet 144, MedGen C1833477, MONDO:0013710, OMIM 614350. Disease mechanism: loss of function.

gnomAD v4.1: 1 of 1,614,200 alleles (0.000062%); highest among the groups gnomAD compares: Non-Finnish European, 0.000085%; no homozygotes.

Submission:

Myriad Genetics, Inc.
Classification: Benign for Lynch syndrome 5. Last evaluated: 2025-01-02. Review status: criteria provided, single submitter. Criteria: Myriad Autosomal Dominant, Autosomal Recessive and X-Linked Classification Criteria (2023). Collection method: clinical testing. Allele origin: unknown.
Comment: This variant is considered benign. This variant is a silent/synonymous amino acid change and it is not expected to impact splicing.

NM_000179.3(MSH6):c.2721A>G (p.Val907=)

Gene: MSH6 (mutS homolog 6; plus strand). Cytogenetic location: 2p16.3.
Variant type: single nucleotide variant.
Coding change: c.2721A>G on transcript NM_000179.3 (MANE Select); coding-DNA position 2721, A replaced by G.
Protein change: p.Val907=; no amino-acid change (valine 907 retained).
Molecular consequence: synonymous variant. On other transcripts: non-coding transcript variant (5), intron variant (2).
Genome position (GRCh38, 1-based): chr2:47,800,704, A>G. VCF-style: chr2-47800704-A-G. GRCh37 (hg19) VCF-style: chr2-48027843-A-G.
Other names: c.2331A>G, p.Val777= (NM_001281492.2); c.1815A>G, p.Val605= (NM_001281493.2, NM_001281494.2, NM_001406811.1 and 6 more transcripts); c.2817A>G, p.Val939= (NM_001406795.1, NM_001406802.1); c.2721A>G, p.Val907= (NM_001406796.1, NM_001406798.1, NM_001406800.1 and 2 more transcripts); c.2424A>G, p.Val808= (NM_001406797.1, NM_001406801.1, NM_001406805.1 and 10 more transcripts); c.2196A>G, p.Val732= (NM_001406799.1, NM_001406806.1, NM_001406807.1); c.2643A>G, p.Val881= (NM_001406804.1); c.2727A>G, p.Val909= (NM_001406813.1); and 4 more.
Identifiers: ClinVar variation 3903983 (VCV003903983.1).
Genomic context (GRCh38, chr2:47,800,704, plus strand): 5'-TAAGCAGGTCATCTCTCTGCAGACAAAAAATCCTGAAGGTCGTTTTCCTGATTTGACTGT[A>G]GAATTGAACCGATGGGATACAGCCTTTGACCATGAAAAGGCTCGAAAGACTGGACTTATT-3'
Protein context (NP_000170.1, residues 897-917): NPEGRFPDLT[Val907=]ELNRWDTAFD